The following is an entry in ClinVar:

ClinVar aggregate classification (germline): Uncertain significance. Review status: criteria provided, multiple submitters, no conflicts (2 of 4 stars). 2 submissions from 2 submitters: Uncertain significance (2). Last evaluated 2025-05-18.

Conditions:
Inborn genetic diseases. Identifiers: MedGen C0950123, MeSH D030342.

Allele frequency attached by ClinVar (database versions not stated): gnomAD exomes 0.00001 and 0.00002; TOPMed 0.00001; ExAC 0.00002.
gnomAD v4.1: 11 of 1,608,920 alleles (0.00068%); highest among the groups gnomAD compares: Middle Eastern, 0.066%; no homozygotes.

Submissions (2):

Ambry Genetics
Classification: Uncertain significance for Inborn genetic diseases. Last evaluated: 2025-05-18. Review status: criteria provided, single submitter. Criteria: Ambry Variant Classification Scheme 2023. Collection method: clinical testing. Allele origin: germline.

Labcorp Genetics (formerly Invitae), Labcorp
Classification: Uncertain significance. Last evaluated: 2025-01-27. Review status: criteria provided, single submitter. Criteria: Invitae Variant Classification Sherloc (09022015). Collection method: clinical testing. Allele origin: germline.
Comment: This sequence change replaces proline, which is neutral and non-polar, with serine, which is neutral and polar, at codon 2342 of the FAT4 protein (p.Pro2342Ser). This variant is present in population databases (rs769744109, gnomAD 0.009%). This variant has not been reported in the literature in individuals affected with FAT4-related conditions. ClinVar contains an entry for this variant (Variation ID: 1388229). An algorithm developed to predict the effect of missense changes on protein structure and function (PolyPhen-2) suggests that this variant is likely to be disruptive. In summary, the available evidence is currently insufficient to determine the role of this variant in disease. Therefore, it has been classified as a Variant of Uncertain Significance.

NM_001291303.3(FAT4):c.7024C>T (p.Pro2342Ser)

Gene: FAT4 (FAT atypical cadherin 4; plus strand). Cytogenetic location: 4q28.1.
Variant type: single nucleotide variant.
Coding change: c.7024C>T on transcript NM_001291303.3 (MANE Select); coding-DNA position 7024, C replaced by T.
Protein change: p.Pro2342Ser; replaces proline 2342 with serine.
Molecular consequence: missense variant.
Genome position (GRCh38, 1-based): chr4:125,434,250, C>T. VCF-style: chr4-125434250-C-T. GRCh37 (hg19) VCF-style: chr4-126355405-C-T.
Other names: c.7024C>T, p.Pro2342Ser (NM_001291285.3, NM_024582.6); c.7024C>T (NM_024582.4); short protein forms P2342S.
Identifiers: ClinVar variation 1388229 (VCV001388229.6), dbSNP rs769744109, ClinGen allele CA3073078.